The following is an entry in ClinVar:

ClinVar aggregate classification (germline): Uncertain significance (1 of 4 stars; one submission).

Submission:

Labcorp Genetics (formerly Invitae), Labcorp
Classification: Uncertain significance. Last evaluated: 2024-12-08. Review status: criteria provided, single submitter. Criteria: Invitae Variant Classification Sherloc (09022015). Collection method: clinical testing. Allele origin: germline.
Comment: This sequence change replaces aspartic acid, which is acidic and polar, with valine, which is neutral and non-polar, at codon 1638 of the SPTA1 protein (p.Asp1638Val). This variant is not present in population databases (gnomAD no frequency). This variant has not been reported in the literature in individuals affected with SPTA1-related conditions. Invitae Evidence Modeling of protein sequence and biophysical properties (such as structural, functional, and spatial information, amino acid conservation, physicochemical variation, residue mobility, and thermodynamic stability) indicates that this missense variant is expected to disrupt SPTA1 protein function with a positive predictive value of 80%. In summary, the available evidence is currently insufficient to determine the role of this variant in disease. Therefore, it has been classified as a Variant of Uncertain Significance.

NM_003126.4(SPTA1):c.4913A>T (p.Asp1638Val)

Gene: SPTA1 (spectrin alpha, erythrocytic 1; minus strand). Cytogenetic location: 1q23.1.
Variant type: single nucleotide variant.
Coding change: c.4913A>T on transcript NM_003126.4 (MANE Select); coding-DNA position 4913, A replaced by T.
Protein change: p.Asp1638Val; replaces aspartic acid 1638 with valine.
Molecular consequence: missense variant.
Genome position (GRCh38, 1-based): chr1:158,639,649, T>A on the plus strand (A>T on the coding strand, the complement: SPTA1 is on the minus strand). VCF-style: chr1-158639649-T-A. GRCh37 (hg19) VCF-style: chr1-158609439-T-A.
Other names: short protein forms D1638V.
Identifiers: ClinVar variation 3682416 (VCV003682416.2).